The following is an entry in ClinVar:

NM_001367624.2(ZNF469):c.8951C>T (p.Pro2984Leu)

Gene: ZNF469 (zinc finger protein 469; plus strand). Cytogenetic location: 16q24.2.
Variant type: single nucleotide variant.
Coding change: c.8951C>T on transcript NM_001367624.2 (MANE Select); coding-DNA position 8951, C replaced by T.
Protein change: p.Pro2984Leu; replaces proline 2984 with leucine.
Molecular consequence: missense variant.
Genome position (GRCh38, 1-based): chr16:88,436,421, C>T. VCF-style: chr16-88436421-C-T. GRCh37 (hg19) VCF-style: chr16-88502829-C-T.
Other names: NM_001127464.1:c.8867C>T; NM_001127464.2:c.8867C>T; short protein forms P2984L.
Identifiers: ClinVar variation 2221437 (VCV002221437.5), dbSNP rs1224474464, ClinGen allele CA397119877.
Genomic context (GRCh38, chr16:88,436,421, plus strand): 5'-AGCCCAGCAGGGAAGCTGGTGCAGAGAAGCTGCCCTCCCACTGCCCCGAGGACGATCGGC[C>T]GGAGGCCATTCCTGAGCTGCACATGGTCCCAGCGGCTTGGCGAGGCCTGGAGATGCCGGC-3'
Protein context (NP_001354553.1, residues 2974-2994): LPSHCPEDDR[Pro2984Leu]EAIPELHMVP

ClinVar aggregate classification (germline): Conflicting classifications of pathogenicity. Review status: criteria provided, conflicting classifications (1 of 4 stars). 3 submissions from 3 submitters: Uncertain significance (2); Likely benign (1). Last evaluated 2025-06-24.

Conditions:
Brittle cornea syndrome 1 (BCS1). Also called: Corneal fragility keratoglobus, blue sclerae AND joint hypermobility; DYSGENESIS MESODERMALIS CORNEAE ET SCLERAE; CORNEAL FRAGILITY, KERATOGLOBUS, BLUE SCLERAE, JOINT HYPEREXTENSIBILITY; EDS6B; FRAGILITAS OCULI WITH JOINT HYPEREXTENSIBILITY. Identifiers: Orphanet 90354, MedGen C0268344, MONDO:0024543, OMIM 229200.
Cardiovascular phenotype. Identifiers: MedGen CN230736.

Allele frequency attached by ClinVar (database versions not stated): gnomAD exomes 0.00003; gnomAD 0.00002; TOPMed 0.00001.
gnomAD v4.1: 41 of 1,548,858 alleles (0.0026%); highest among the groups gnomAD compares: East Asian, 0.0098%; no homozygotes.

Submissions (3):

Labcorp Genetics (formerly Invitae), Labcorp
Classification: Uncertain significance. Last evaluated: 2025-06-24. Review status: criteria provided, single submitter. Criteria: Invitae Variant Classification Sherloc (09022015). Collection method: clinical testing. Allele origin: germline.
Comment: This sequence change replaces proline, which is neutral and non-polar, with leucine, which is neutral and non-polar, at codon 2956 of the ZNF469 protein (p.Pro2956Leu). This variant is present in population databases (no rsID available, gnomAD 0.03%). This variant has not been reported in the literature in individuals affected with ZNF469-related conditions. ClinVar contains an entry for this variant (Variation ID: 2221437). An algorithm developed to predict the effect of missense changes on protein structure and function outputs the following: PolyPhen-2: "Benign". The leucine amino acid residue is found in multiple mammalian species, which suggests that this missense change does not adversely affect protein function. In summary, the available evidence is currently insufficient to determine the role of this variant in disease. Therefore, it has been classified as a Variant of Uncertain Significance.

Ambry Genetics
Classification: Likely benign for Cardiovascular phenotype. Last evaluated: 2023-03-07. Review status: criteria provided, single submitter. Criteria: Ambry Variant Classification Scheme 2023. Collection method: clinical testing. Allele origin: germline.

Department of Pathology and Laboratory Medicine, Sinai Health System
Classification: Uncertain significance for Brittle cornea syndrome 1. Last evaluated: 2019-04-29. Review status: criteria provided, single submitter. Criteria: ACMG Guidelines, 2015. Collection method: research. Allele origin: germline.